The following is an entry in ClinVar:

ClinVar aggregate classification (germline): Uncertain significance. Review status: criteria provided, multiple submitters, no conflicts (2 of 4 stars). 2 submissions from 2 submitters: Uncertain significance (2). Last evaluated 2023-06-26.

Conditions:
Hypertrophic cardiomyopathy. Also called: HYPERTROPHIC MYOCARDIOPATHY. Identifiers: Orphanet 217569, MedGen C0007194, MeSH D002312, MONDO:0005045, HP:0001639.
Lethal congenital glycogen storage disease of heart. Also called: PHOSPHORYLASE KINASE DEFICIENCY OF HEART; GLYCOGEN STORAGE DISEASE OF HEART. Identifiers: Orphanet 439854, MedGen C1849813, MONDO:0009867, OMIM 261740.

Submissions (2):

All of Us Research Program, National Institutes of Health
Classification: Uncertain significance for Hypertrophic cardiomyopathy. Last evaluated: 2023-06-26. Review status: criteria provided, single submitter. Criteria: ACMG Guidelines, 2015. Collection method: clinical testing. Allele origin: germline. Inheritance: Autosomal dominant inheritance. Observed: 1 variant allele, 1 heterozygote.
Comment: This missense variant replaces histidine with arginine at codon 344 of the PRKAG2 protein. Computational prediction suggests that this variant may have deleterious impact on protein structure and function (internally defined REVEL score threshold >= 0.7, PMID: 27666373). To our knowledge, functional studies have not been reported for this variant. This variant has not been reported in individuals affected with PRKAG2-related disorders in the literature. This variant has not been identified in the general population by the Genome Aggregation Database (gnomAD). The available evidence is insufficient to determine the role of this variant in disease conclusively. Therefore, this variant is classified as a Variant of Uncertain Significance.

This study involves interpretation of variants in research participants for the purpose of population health screening. Participant phenotype was not available at the time of variant classification. Additional details can be found in publication PMID: 35346344, PMCID: PMC8962531

Labcorp Genetics (formerly Invitae), Labcorp
Classification: Uncertain significance for Lethal congenital glycogen storage disease of heart. Last evaluated: 2021-04-14. Review status: criteria provided, single submitter. Criteria: Invitae Variant Classification Sherloc (09022015). Collection method: clinical testing. Allele origin: germline.
Comment: This variant is not present in population databases (ExAC no frequency). In summary, the available evidence is currently insufficient to determine the role of this variant in disease. Therefore, it has been classified as a Variant of Uncertain Significance. Advanced modeling of protein sequence and biophysical properties (such as structural, functional, and spatial information, amino acid conservation, physicochemical variation, residue mobility, and thermodynamic stability) performed at Invitae indicates that this missense variant is expected to disrupt PRKAG2 protein function. This variant has not been reported in the literature in individuals with PRKAG2-related conditions. This sequence change replaces histidine with arginine at codon 344 of the PRKAG2 protein (p.His344Arg). The histidine residue is highly conserved and there is a small physicochemical difference between histidine and arginine.

NM_016203.4(PRKAG2):c.1031A>G (p.His344Arg)

Gene: PRKAG2 (protein kinase AMP-activated non-catalytic subunit gamma 2; minus strand). Cytogenetic location: 7q36.1.
Variant type: single nucleotide variant.
Coding change: c.1031A>G on transcript NM_016203.4 (MANE Select); coding-DNA position 1031, A replaced by G.
Protein change: p.His344Arg; replaces histidine 344 with arginine.
Molecular consequence: missense variant.
Genome position (GRCh38, 1-based): chr7:151,572,684, T>C on the plus strand (A>G on the coding strand, the complement: PRKAG2 is on the minus strand). VCF-style: chr7-151572684-T-C. GRCh37 (hg19) VCF-style: chr7-151269770-T-C.
Other names: c.899A>G, p.His300Arg (NM_001040633.2); c.656A>G, p.His219Arg (NM_001304527.2); c.308A>G, p.His103Arg (NM_001304531.2, NM_024429.2); c.659A>G, p.His220Arg (NM_001363698.2); short protein forms H219R, H300R, H220R, H103R, H344R.
Identifiers: ClinVar variation 1357542 (VCV001357542.9), dbSNP rs2151024054, ClinGen allele CA370072142.
Genomic context (GRCh38, chr7:151,572,684, plus strand): 5'-TCCCGATACTAAAAGATTTTAAACATCCAATAGTGCTTACCCCTCCATGTTTCAATTTTA[T>C]GTTCCTCTAATTCATAAATCTGTACCTGCAAATAAAAAAATTCTTATTTATAAATATACA-3'
Protein context (NP_057287.2, residues 334-354): PMVQIYELEE[His344Arg]KIETWRELYL